The following is an entry in ClinVar:

ClinVar aggregate classification (germline): Uncertain significance (1 of 4 stars; one submission).

Allele frequency attached by ClinVar (database versions not stated): gnomAD 0.00001; TOPMed 0.00002.
gnomAD v4.1: 9 of 1,517,410 alleles (0.00059%); highest among the groups gnomAD compares: African/African-American, 0.0029%; no homozygotes.

Submission:

Labcorp Genetics (formerly Invitae), Labcorp
Classification: Uncertain significance. Last evaluated: 2022-08-27. Review status: criteria provided, single submitter. Criteria: Invitae Variant Classification Sherloc (09022015). Collection method: clinical testing. Allele origin: germline.
Comment: This variant has not been reported in the literature in individuals affected with LOX-related conditions. In summary, the available evidence is currently insufficient to determine the role of this variant in disease. Therefore, it has been classified as a Variant of Uncertain Significance. Algorithms developed to predict the effect of missense changes on protein structure and function are either unavailable or do not agree on the potential impact of this missense change (SIFT: "Not Available"; PolyPhen-2: "Benign"; Align-GVGD: "Not Available"). This variant is present in population databases (no rsID available, gnomAD 0.03%). This sequence change replaces alanine, which is neutral and non-polar, with glycine, which is neutral and non-polar, at codon 22 of the LOX protein (p.Ala22Gly).

NM_002317.7(LOX):c.65C>G (p.Ala22Gly)

Genes: LOX (lysyl oxidase; minus strand), SRFBP1 (serum response factor binding protein 1; plus strand). Cytogenetic location: 5q23.1.
Variant type: single nucleotide variant.
Coding change: c.65C>G on transcript NM_002317.7 (MANE Select); coding-DNA position 65, C replaced by G.
Protein change: p.Ala22Gly; replaces alanine 22 with glycine.
Molecular consequence: missense variant.
Genome position (GRCh38, 1-based): chr5:122,077,921, G>C on the plus strand (C>G on the coding strand, the complement: LOX is on the minus strand). VCF-style: chr5-122077921-G-C. GRCh37 (hg19) VCF-style: chr5-121413616-G-C.
Other names: short protein forms A22G.
Identifiers: ClinVar variation 2027287 (VCV002027287.4), dbSNP rs933016321, ClinGen allele CA125917678.